The following is an entry in ClinVar:

ClinVar aggregate classification (germline): Uncertain significance. Review status: criteria provided, multiple submitters, no conflicts (2 of 4 stars). 2 submissions from 2 submitters: Uncertain significance (2). Last evaluated 2025-06-09.

Conditions:
Hereditary cancer-predisposing syndrome. Also called: Neoplastic Syndromes, Hereditary; Tumor predisposition; Hereditary Cancer Syndrome; Hereditary neoplastic syndrome. Identifiers: Orphanet 140162, MedGen C0027672, MeSH D009386, MONDO:0015356.
Cardiovascular phenotype. Identifiers: MedGen CN230736.

Submissions (2):

Labcorp Genetics (formerly Invitae), Labcorp
Classification: Uncertain significance. Last evaluated: 2025-06-09. Review status: criteria provided, single submitter. Criteria: Invitae Variant Classification Sherloc (09022015). Collection method: clinical testing. Allele origin: germline.
Comment: This sequence change replaces glutamic acid, which is acidic and polar, with glutamine, which is neutral and polar, at codon 702 of the LZTR1 protein (p.Glu702Gln). This variant is not present in population databases (gnomAD no frequency). This variant has not been reported in the literature in individuals affected with LZTR1-related conditions. ClinVar contains an entry for this variant (Variation ID: 1785965). Invitae Evidence Modeling of protein sequence and biophysical properties (such as structural, functional, and spatial information, amino acid conservation, physicochemical variation, residue mobility, and thermodynamic stability) indicates that this missense variant is not expected to disrupt LZTR1 protein function with a negative predictive value of 80%. In summary, the available evidence is currently insufficient to determine the role of this variant in disease. Therefore, it has been classified as a Variant of Uncertain Significance.

Ambry Genetics
Classification: Uncertain significance for Cardiovascular phenotype; Hereditary cancer-predisposing syndrome. Last evaluated: 2024-08-22. Review status: criteria provided, single submitter. Criteria: Ambry Variant Classification Scheme 2023. Collection method: clinical testing. Allele origin: germline.
Comment: The p.E702Q variant (also known as c.2104G>C), located in coding exon 18 of the LZTR1 gene, results from a G to C substitution at nucleotide position 2104. The glutamic acid at codon 702 is replaced by glutamine, an amino acid with highly similar properties. This amino acid position is well conserved in available vertebrate species. In addition, the in silico prediction for this alteration is inconclusive. Based on the available evidence, the clinical significance of this variant remains unclear.

NM_006767.4(LZTR1):c.2104G>C (p.Glu702Gln)

Gene: LZTR1 (leucine zipper like post translational regulator 1; plus strand). Cytogenetic location: 22q11.21.
Variant type: single nucleotide variant.
Coding change: c.2104G>C on transcript NM_006767.4 (MANE Select); coding-DNA position 2104, G replaced by C.
Protein change: p.Glu702Gln; replaces glutamic acid 702 with glutamine.
Molecular consequence: missense variant.
Genome position (GRCh38, 1-based): chr22:20,995,997, G>C. VCF-style: chr22-20995997-G-C. GRCh37 (hg19) VCF-style: chr22-21350286-G-C.
Other names: short protein forms E702Q.
Identifiers: ClinVar variation 1785965 (VCV001785965.8), dbSNP rs199765826, ClinGen allele CA322271261.